The following is an entry in ClinVar:

ClinVar aggregate classification (germline): Uncertain significance (1 of 4 stars; one submission).

gnomAD v4.1: 1 of 1,612,518 alleles (0.000062%); highest among the groups gnomAD compares: Non-Finnish European, 0.000085%; no homozygotes.

Submission:

Labcorp Genetics (formerly Invitae), Labcorp
Classification: Uncertain significance. Last evaluated: 2024-02-23. Review status: criteria provided, single submitter. Criteria: Invitae Variant Classification Sherloc (09022015). Collection method: clinical testing. Allele origin: germline.
Comment: This sequence change affects a donor splice site in intron 14 of the PITPNM3 gene. It is expected to disrupt RNA splicing. Variants that disrupt the donor or acceptor splice site typically lead to a loss of protein function (PMID: 16199547), however the current clinical and genetic evidence is not sufficient to establish whether loss-of-function variants in PITPNM3 cause disease. This variant is not present in population databases (gnomAD no frequency). This variant has not been reported in the literature in individuals affected with PITPNM3-related conditions. Algorithms developed to predict the effect of sequence changes on RNA splicing suggest that this variant may disrupt the consensus splice site. In summary, the available evidence is currently insufficient to determine the role of this variant in disease. Therefore, it has been classified as a Variant of Uncertain Significance.

Literature cited by the submitters: PubMed 16199547.

NM_031220.4(PITPNM3):c.1890+2T>C

Gene: PITPNM3 (PITPNM family member 3; minus strand). Cytogenetic location: 17p13.2.
Variant type: single nucleotide variant.
Coding change: c.1890+2T>C on transcript NM_031220.4 (MANE Select); the canonical splice donor site of the intron after coding-DNA position 1890, T replaced by C.
Molecular consequence: splice donor variant.
Genome position (GRCh38, 1-based): chr17:6,468,223, A>G on the plus strand (T>C on the coding strand, the complement: PITPNM3 is on the minus strand). VCF-style: chr17-6468223-A-G. GRCh37 (hg19) VCF-style: chr17-6371543-A-G.
Other names: c.1782+2T>C (NM_001165966.2).
Identifiers: ClinVar variation 3669332 (VCV003669332.2).